The following is an entry in ClinVar:

NM_000256.3(MYBPC3):c.2149-2A>C

Gene: MYBPC3 (myosin binding protein C3; minus strand). Cytogenetic location: 11p11.2.
Variant type: single nucleotide variant.
Coding change: c.2149-2A>C on transcript NM_000256.3 (MANE Select); the canonical splice acceptor site of the intron before coding-DNA position 2149, A replaced by C.
Molecular consequence: splice acceptor variant.
Genome position (GRCh38, 1-based): chr11:47,338,681, T>G on the plus strand (A>C on the coding strand, the complement: MYBPC3 is on the minus strand). VCF-style: chr11-47338681-T-G. GRCh37 (hg19) VCF-style: chr11-47360232-T-G.
Identifiers: ClinVar variation 1333356 (VCV001333356.3), dbSNP rs2142856729, ClinGen allele CA380320683.

ClinVar aggregate classification (germline): Pathogenic. Review status: criteria provided, multiple submitters, no conflicts (2 of 4 stars). 2 submissions from 2 submitters: Pathogenic (2). Last evaluated 2025-08-11.

Conditions:
Hypertrophic cardiomyopathy 4. Also called: Familial hypertrophic cardiomyopathy 4. Identifiers: MedGen C1861862, MONDO:0007268, OMIM 115197.
Hypertrophic cardiomyopathy. Also called: HYPERTROPHIC MYOCARDIOPATHY. Identifiers: Orphanet 217569, MedGen C0007194, MeSH D002312, MONDO:0005045, HP:0001639.

Submissions (2):

Labcorp Genetics (formerly Invitae), Labcorp
Classification: Pathogenic for Hypertrophic cardiomyopathy. Last evaluated: 2025-08-11. Review status: criteria provided, single submitter. Criteria: Invitae Variant Classification Sherloc (09022015). Collection method: clinical testing. Allele origin: germline.
Comment: This sequence change affects an acceptor splice site in intron 22 of the MYBPC3 gene. It is expected to disrupt RNA splicing. Variants that disrupt the donor or acceptor splice site typically lead to a loss of protein function (PMID: 16199547), and loss-of-function variants in MYBPC3 are known to be pathogenic (PMID: 19574547). This variant is not present in population databases (gnomAD no frequency). Disruption of this splice site has been observed in individuals with hypertrophic cardiomyopathy (PMID: 23782526, 32841044; internal data). ClinVar contains an entry for this variant (Variation ID: 1333356). Algorithms developed to predict the effect of sequence changes on RNA splicing suggest that this variant may disrupt the consensus splice site. For these reasons, this variant has been classified as Pathogenic.

3billion
Classification: Pathogenic for Hypertrophic cardiomyopathy 4. Last evaluated: 2025-06-24. Review status: criteria provided, single submitter. Criteria: ACMG Guidelines, 2015. Collection method: clinical testing. Allele origin: germline. Affected: yes.
Comment: The variant is not observed in the gnomAD v4.1.0 dataset. Predicted Consequence/Location: Canonical splice site: predicted to alter splicing and result in a loss or disruption of normal protein function. Multiple pathogenic loss-of-function variants are reported downstream of the variant. In silico tools predict the variant to alter splicing and produce an abnormal transcript [SpliceAI: 1.00 (spliceogenicity >=0.2, non-spliceogenicity <0.1)]. The variant has been reported to be associated with MYBPC3-related disorder (ClinVar ID: VCV001333356 /3billion dataset). Therefore, this variant is classified as Pathogenic according to the recommendation of ACMG/AMP guideline.

Literature cited by the submitters: PubMed 16199547 (cited by Labcorp Genetics (formerly Invitae), Labcorp); PubMed 19574547 (cited by Labcorp Genetics (formerly Invitae), Labcorp); PubMed 23782526 (cited by Labcorp Genetics (formerly Invitae), Labcorp); PubMed 32841044 (cited by Labcorp Genetics (formerly Invitae), Labcorp).